The following is an entry in ClinVar:

NM_000094.4(COL7A1):c.2044C>T (p.Arg682Ter)

Gene: COL7A1 (collagen type VII alpha 1 chain; minus strand). Cytogenetic location: 3p21.31.
Variant type: single nucleotide variant.
Coding change: c.2044C>T on transcript NM_000094.4 (MANE Select); coding-DNA position 2044, C replaced by T.
Protein change: p.Arg682Ter; replaces arginine 682 with a stop codon.
Molecular consequence: nonsense.
Genome position (GRCh38, 1-based): chr3:48,590,219, G>A on the plus strand (C>T on the coding strand, the complement: COL7A1 is on the minus strand). VCF-style: chr3-48590219-G-A. GRCh37 (hg19) VCF-style: chr3-48627652-G-A.
Other names: c.2044C>T (NM_000094.3); short protein forms R682*.
Identifiers: ClinVar variation 1047976 (VCV001047976.13), dbSNP rs1262422383, ClinGen allele CA352726001.

ClinVar aggregate classification (germline): Pathogenic. Review status: criteria provided, multiple submitters, no conflicts (2 of 4 stars). 6 submissions from 6 submitters: Pathogenic (4). 2 of the submissions do not count toward it. Last evaluated 2025-09-09.

Conditions:
Recessive dystrophic epidermolysis bullosa (RDEB). Also called: severe generalized recessive dystrophic epidermolysis bullosa; EPIDERMOLYSIS BULLOSA DYSTROPHICA, GENERALIZED SEVERE, AUTOSOMAL RECESSIVE; DYSTROPHIC EPIDERMOLYSIS BULLOSA, AUTOSOMAL RECESSIVE; EPIDERMOLYSIS BULLOSA DYSTROPHICA, HALLOPEAU-SIEMENS TYPE; Epidermolysis Bullosa Distrophica Autosomal Recessive (RDEB); epidermolysis bullosa dystrophica, autosomal recessive. Identifiers: Orphanet 79408, Orphanet 79409, MedGen C0079474, MONDO:0009179, OMIM 226600.
Epidermolysis bullosa dystrophica. Also called: Dystrophic epidermolysis bullosa, Hallopeau-Siemens type (formerly); Dystrophic epidermolysis bullosa. Identifiers: Orphanet 303, MedGen C0079294, MONDO:0006543.

Allele frequency attached by ClinVar (database versions not stated): TOPMed below 0.00001.
gnomAD v4.1: 10 of 1,613,136 alleles (0.00062%); highest among the groups gnomAD compares: Admixed American, 0.0017%; no homozygotes.

Submissions (6):

Natera, Inc.
Classification: Pathogenic for Dystrophic epidermolysis bullosa. Last evaluated: 2025-09-09. Review status: criteria provided, single submitter. Criteria: Natera Variant Classification Schema (03/2026). Collection method: clinical testing. Allele origin: germline.
Comment: The c.2044C>T variant in COL7A1 is a nonsense variant predicted to introduce a stop codon at amino acid 682. This variant is expected to result in nonsense mediated decay, truncation, or a dysfunctional protein product. This variant is rare in the general population with a frequency below the threshold expected for the associated phenotype(s). This variant has been observed in one or more individuals affected with the associated recessive disease, as either homozygous or compound heterozygous with a second variant (PMID: 29473190). Given the available evidence, this variant is classified as Pathogenic.

Myriad Genetics, Inc.
Classification: Pathogenic for Recessive dystrophic epidermolysis bullosa. Last evaluated: 2025-05-16. Review status: criteria provided, single submitter. Criteria: Myriad Autosomal Dominant, Autosomal Recessive and X-Linked Classification Criteria (2023). Collection method: clinical testing. Allele origin: unknown.
Comment: NM_000094.3(COL7A1):c.2044C>T(R682*) is a nonsense variant classified as pathogenic in the context of dystrophic epidermolysis bullosa. R682* has been observed in cases with relevant disease (PMID: 10504458, 29473190). Relevant functional assessments of this variant are not available in the literature. R682* has been observed in referenced population frequency databases. In summary, NM_000094.3(COL7A1):c.2044C>T(R682*) is a nonsense variant in a gene where loss of function is a known mechanism of disease, is predicted to disrupt protein function, and has been observed more frequently in cases with the relevant disease than in healthy populations. Please note: this variant was assessed in the context of healthy population screening.

Labcorp Genetics (formerly Invitae), Labcorp
Classification: Pathogenic. Last evaluated: 2023-05-20. Review status: criteria provided, single submitter. Criteria: Invitae Variant Classification Sherloc (09022015). Collection method: clinical testing. Allele origin: germline.
Comment: This sequence change creates a premature translational stop signal (p.Arg682*) in the COL7A1 gene. It is expected to result in an absent or disrupted protein product. Loss-of-function variants in COL7A1 are known to be pathogenic (PMID: 16971478). This variant is present in population databases (no rsID available, gnomAD 0.3%). This premature translational stop signal has been observed in individual(s) with autosomal recessive epidermolysis bullosa dystrophica (PMID: 10504458, 29473190). ClinVar contains an entry for this variant (Variation ID: 1047976). For these reasons, this variant has been classified as Pathogenic.

Biomedical Innovation Departament, CIEMAT
Classification: Pathogenic for Dystrophic epidermolysis bullosa. Last evaluated: 2017-11-11. Review status: criteria provided, single submitter. Criteria: ACMG Guidelines, 2015. Collection method: research. Allele origin: germline. Affected: yes. Observed: 1 variant allele.

Diagnostic Laboratory, Department of Genetics, University Medical Center Groningen
Classification: Pathogenic. Review status: no assertion criteria provided. Collection method: clinical testing. Allele origin: germline. Affected: yes. Study: VKGL Data-share Consensus. Not counted in ClinVar's aggregate classification.

Joint Genome Diagnostic Labs from Nijmegen and Maastricht, Radboudumc and MUMC+
Classification: Pathogenic. Review status: no assertion criteria provided. Collection method: clinical testing. Allele origin: germline. Affected: yes. Study: VKGL Data-share Consensus. Not counted in ClinVar's aggregate classification.

Literature cited by the submitters: PubMed 29473190 (cited by 3 submitters); PubMed 10504458 (cited by 3 submitters); PubMed 16971478 (cited by Labcorp Genetics (formerly Invitae), Labcorp).